The following is an entry in ClinVar:

ClinVar aggregate classification (germline): Pathogenic (1 of 4 stars; one submission).

Allele frequency attached by ClinVar (database versions not stated): TOPMed below 0.00001.
gnomAD v4.1: 2 of 1,613,550 alleles (0.00012%); highest among the groups gnomAD compares: African/African-American, 0.0013%; no homozygotes.

Submission:

Labcorp Genetics (formerly Invitae), Labcorp
Classification: Pathogenic. Last evaluated: 2023-04-14. Review status: criteria provided, single submitter. Criteria: Invitae Variant Classification Sherloc (09022015). Collection method: clinical testing. Allele origin: germline.
Comment: This variant is not present in population databases (gnomAD no frequency). This sequence change creates a premature translational stop signal (p.Arg1201*) in the TTC37 gene. It is expected to result in an absent or disrupted protein product. Loss-of-function variants in TTC37 are known to be pathogenic (PMID: 20176027, 21120949). This premature translational stop signal has been observed in individual(s) with Tricho-hepato-enteric syndrome (PMID: 25976726). For these reasons, this variant has been classified as Pathogenic.

Literature cited by the submitters: PubMed 20176027; PubMed 21120949; PubMed 25976726.

NM_014639.4(SKIC3):c.3601C>T (p.Arg1201Ter)

Gene: SKIC3 (SKI3 subunit of superkiller complex; minus strand). Cytogenetic location: 5q15.
Variant type: single nucleotide variant.
Coding change: c.3601C>T on transcript NM_014639.4 (MANE Select); coding-DNA position 3601, C replaced by T.
Protein change: p.Arg1201Ter; replaces arginine 1201 with a stop codon.
Molecular consequence: nonsense.
Genome position (GRCh38, 1-based): chr5:95,497,451, G>A on the plus strand (C>T on the coding strand, the complement: SKIC3 is on the minus strand). VCF-style: chr5-95497451-G-A. GRCh37 (hg19) VCF-style: chr5-94833155-G-A.
Other names: short protein forms R1201*.
Identifiers: ClinVar variation 2734745 (VCV002734745.3), dbSNP rs1746777262, ClinGen allele CA360449312.